The following is an entry in ClinVar:

ClinVar aggregate classification (germline): Uncertain significance (1 of 4 stars; one submission).

Submission:

GeneDx
Classification: Uncertain significance. Last evaluated: 2019-03-30. Review status: criteria provided, single submitter. Criteria: GeneDx Variant Classification Process June 2021. Collection method: clinical testing. Allele origin: germline. Affected: yes.
Comment: Not observed in large population cohorts (Lek et al., 2016); In silico analysis, which includes protein predictors and evolutionary conservation, supports a deleterious effect; Has not been previously published as pathogenic or benign to our knowledge

NM_004366.6(CLCN2):c.2528T>G (p.Val843Gly)

Gene: CLCN2 (chloride voltage-gated channel 2; minus strand). Cytogenetic location: 3q27.1.
Variant type: single nucleotide variant.
Coding change: c.2528T>G on transcript NM_004366.6 (MANE Select); coding-DNA position 2528, T replaced by G.
Protein change: p.Val843Gly; replaces valine 843 with glycine.
Molecular consequence: missense variant.
Genome position (GRCh38, 1-based): chr3:184,346,775, A>C on the plus strand (T>G on the coding strand, the complement: CLCN2 is on the minus strand). VCF-style: chr3-184346775-A-C. GRCh37 (hg19) VCF-style: chr3-184064563-A-C.
Other names: c.2477T>G, p.Val826Gly (NM_001171087.3); c.2396T>G, p.Val799Gly (NM_001171088.3); c.2441T>G, p.Val814Gly (NM_001171089.3); short protein forms V799G, V814G, V826G, V843G.
Identifiers: ClinVar variation 1317105 (VCV001317105.2), dbSNP rs2108552727, ClinGen allele CA355444466.